The following is an entry in ClinVar:

ClinVar aggregate classification (germline): Pathogenic (1 of 4 stars; one submission).

Conditions:
Cardiovascular phenotype. Identifiers: MedGen CN230736.

Submission:

Ambry Genetics
Classification: Pathogenic for Cardiovascular phenotype. Last evaluated: 2015-03-19. Review status: criteria provided, single submitter. Criteria: Ambry Variant Classification Scheme 2023. Collection method: clinical testing. Allele origin: germline.
Comment: The c.1365_1366delGGinsC pathogenic mutation, located in coding exon 8 of the ACVRL1 gene, results from the deletion of two nucleotides and insertion of one nucleotide causing a translational frameshift with a predicted alternate stop codon (p.A456Lfs*9). Since frameshifts are typically deleterious in nature, this alteration is interpreted as a disease-causing mutation (ACMG Recommendations for Standards for Interpretation and Reporting of Sequence Variations. Revision 2007. Genet Med. 2008;10:294).

NM_000020.3(ACVRL1):c.1365_1366delinsC (p.Ala456fs)

Gene: ACVRL1 (activin A receptor like type 1; plus strand). Cytogenetic location: 12q13.13.
Variant type: Indel.
Coding change: c.1365_1366delinsC on transcript NM_000020.3 (MANE Select); coding-DNA positions 1365 to 1366, GG replaced by C.
Protein change: p.Ala456fs; shifts the reading frame from alanine 456.
Molecular consequence: frameshift variant.
Genome position (GRCh38, 1-based): chr12:51,919,103-51,919,104, GG replaced by C. VCF-style: chr12-51919103-GG-C. GRCh37 (hg19) VCF-style: chr12-52312887-GG-C.
Other names: c.1365_1366delinsC, p.Ala456fs (NM_001077401.2); c.1365_1366delGGinsC, p.Ala456Leufs (NM_001406487.1, NM_001406488.1, NM_001406489.1); c.1209_1210delGGinsC, p.Ala404Leufs (NM_001406490.1); c.1053_1054delGGinsC, p.Ala352Leufs (NM_001406491.1, NM_001406492.1, NM_001406493.1); c.855_856delGGinsC, p.Ala286Leufs (NM_001406494.1); c.801_802delGGinsC, p.Ala268Leufs (NM_001406495.1); short protein forms A456fs.
Identifiers: ClinVar variation 1770910 (VCV001770910.2), dbSNP rs2540170917, ClinGen allele CA2580086427.